The following is an entry in ClinVar:

NM_002691.4(POLD1):c.1498G>C (p.Gly500Arg)

Gene: POLD1 (DNA polymerase delta 1, catalytic subunit; plus strand). Cytogenetic location: 19q13.33.
Variant type: single nucleotide variant.
Coding change: c.1498G>C on transcript NM_002691.4 (MANE Select); coding-DNA position 1498, G replaced by C.
Protein change: p.Gly500Arg; replaces glycine 500 with arginine.
Molecular consequence: missense variant. On other transcripts: non-coding transcript variant (1).
Genome position (GRCh38, 1-based): chr19:50,406,986, G>C. VCF-style: chr19-50406986-G-C. GRCh37 (hg19) VCF-style: chr19-50910243-G-C.
Other names: c.1498G>C, p.Gly500Arg (NM_001256849.1, NM_001308632.1); short protein forms G500R.
Identifiers: ClinVar variation 2116073 (VCV002116073.4), dbSNP rs2122335658, ClinGen allele CA406980749.

ClinVar aggregate classification (germline): Uncertain significance (1 of 4 stars; one submission).

Conditions:
POLD1-related polyposis and colorectal cancer syndrome (CRCS10). Also called: Colorectal cancer 10; COLORECTAL CANCER, SUSCEPTIBILITY TO, ON CHROMOSOME 19q; Colorectal cancer, susceptibility to, 10. Identifiers: Orphanet 220460, MedGen C2675481, MONDO:0012953, OMIM 612591.

Submission:

Labcorp Genetics (formerly Invitae), Labcorp
Classification: Uncertain significance for POLD1-related polyposis and colorectal cancer syndrome. Last evaluated: 2022-03-23. Review status: criteria provided, single submitter. Criteria: Invitae Variant Classification Sherloc (09022015). Collection method: clinical testing. Allele origin: germline.
Comment: In summary, the available evidence is currently insufficient to determine the role of this variant in disease. Therefore, it has been classified as a Variant of Uncertain Significance. Algorithms developed to predict the effect of missense changes on protein structure and function are either unavailable or do not agree on the potential impact of this missense change (SIFT: "Deleterious"; PolyPhen-2: "Probably Damaging"; Align-GVGD: "Class C15"). This sequence change replaces glycine, which is neutral and non-polar, with arginine, which is basic and polar, at codon 500 of the POLD1 protein (p.Gly500Arg). This variant is not present in population databases (gnomAD no frequency). This variant has not been reported in the literature in individuals affected with POLD1-related conditions.